The following is an entry in ClinVar:

NM_014991.6(WDFY3):c.4893A>G (p.Ile1631Met)

Gene: WDFY3 (WD repeat and FYVE domain containing 3; minus strand). Cytogenetic location: 4q21.23.
Variant type: single nucleotide variant.
Coding change: c.4893A>G on transcript NM_014991.6 (MANE Select); coding-DNA position 4893, A replaced by G.
Protein change: p.Ile1631Met; replaces isoleucine 1631 with methionine.
Molecular consequence: missense variant.
Genome position (GRCh38, 1-based): chr4:84,766,329, T>C on the plus strand (A>G on the coding strand, the complement: WDFY3 is on the minus strand). VCF-style: chr4-84766329-T-C. GRCh37 (hg19) VCF-style: chr4-85687482-T-C.
Other names: short protein forms I1631M.
Identifiers: ClinVar variation 2430827 (VCV002430827.2), dbSNP rs2532854141, ClinGen allele CA357543659.

ClinVar aggregate classification (germline): Uncertain significance (1 of 4 stars; one submission).

Submission:

GeneDx
Classification: Uncertain significance. Last evaluated: 2025-04-10. Review status: criteria provided, single submitter. Criteria: GeneDx Variant Classification Process June 2021. Collection method: clinical testing. Allele origin: germline.
Comment: Not observed at significant frequency in large population cohorts (gnomAD); In silico analysis supports that this missense variant has a deleterious effect on protein structure/function; Has not been previously published as pathogenic or benign to our knowledge